The following is an entry in ClinVar:

ClinVar aggregate classification (germline): Benign (1 of 4 stars; one submission).

Allele frequency attached by ClinVar (database versions not stated): 1000 Genomes Project 30x 0.49781; 1000 Genomes Project 0.50399; TOPMed 0.55910; gnomAD 0.57047.
gnomAD v4.1: 87,637 of 152,040 alleles (58%); highest among the groups gnomAD compares: Non-Finnish European, 72%; 28,582 homozygotes.

Submission:

GeneDx
Classification: Benign. Last evaluated: 2018-06-19. Review status: criteria provided, single submitter. Criteria: GeneDx Variant Classification (06012015). Collection method: clinical testing. Allele origin: germline. Affected: yes.
Comment: This variant is considered likely benign or benign based on one or more of the following criteria: it is a conservative change, it occurs at a poorly conserved position in the protein, it is predicted to be benign by multiple in silico algorithms, and/or has population frequency not consistent with disease.

NM_005045.4(RELN):c.7491-201A>G

Gene: RELN (reelin; minus strand). Cytogenetic location: 7q22.1.
Variant type: single nucleotide variant.
Coding change: c.7491-201A>G on transcript NM_005045.4 (MANE Select); 201 bases into the intron before coding-DNA position 7491, A replaced by G.
Molecular consequence: intron variant.
Genome position (GRCh38, 1-based): chr7:103,522,400, T>C on the plus strand (A>G on the coding strand, the complement: RELN is on the minus strand). VCF-style: chr7-103522400-T-C. GRCh37 (hg19) VCF-style: chr7-103162847-T-C.
Other names: c.7491-201A>G (NM_173054.3).
Identifiers: ClinVar variation 669136 (VCV000669136.1), dbSNP rs2075040, ClinGen allele CA15494251.